The following is an entry in ClinVar:

NM_001205293.3(CACNA1E):c.2174A>G (p.Gln725Arg)

Gene: CACNA1E (calcium voltage-gated channel subunit alpha1 E; plus strand). Cytogenetic location: 1q25.3.
Variant type: single nucleotide variant.
Coding change: c.2174A>G on transcript NM_001205293.3 (MANE Select); coding-DNA position 2174, A replaced by G.
Protein change: p.Gln725Arg; replaces glutamine 725 with arginine.
Molecular consequence: missense variant.
Genome position (GRCh38, 1-based): chr1:181,726,096, A>G. VCF-style: chr1-181726096-A-G. GRCh37 (hg19) VCF-style: chr1-181695232-A-G.
Other names: c.2174A>G, p.Gln725Arg (NM_000721.4, NM_001205294.2); short protein forms Q725R.
Identifiers: ClinVar variation 1354390 (VCV001354390.8), dbSNP rs2102509822, ClinGen allele CA343628588.

ClinVar aggregate classification (germline): Uncertain significance (1 of 4 stars; one submission).

Submission:

Labcorp Genetics (formerly Invitae), Labcorp
Classification: Uncertain significance. Last evaluated: 2021-05-25. Review status: criteria provided, single submitter. Criteria: Invitae Variant Classification Sherloc (09022015). Collection method: clinical testing. Allele origin: germline.
Comment: In summary, the available evidence is currently insufficient to determine the role of this variant in disease. Therefore, it has been classified as a Variant of Uncertain Significance. Advanced modeling of protein sequence and biophysical properties (such as structural, functional, and spatial information, amino acid conservation, physicochemical variation, residue mobility, and thermodynamic stability) performed at Invitae indicates that this missense variant is not expected to disrupt CACNA1E protein function. This variant has not been reported in the literature in individuals with CACNA1E-related conditions. This variant is not present in population databases (ExAC no frequency). This sequence change replaces glutamine with arginine at codon 725 of the CACNA1E protein (p.Gln725Arg). The glutamine residue is highly conserved and there is a small physicochemical difference between glutamine and arginine.